The following is an entry in ClinVar:

ClinVar aggregate classification (germline): Conflicting classifications of pathogenicity. Review status: criteria provided, conflicting classifications (1 of 4 stars). 5 submissions from 5 submitters: Pathogenic (1); Likely pathogenic (1); Uncertain significance (3). Last evaluated 2025-06-24.

Conditions:
CBL-related disorder. Also called: CBL MUTATION-ASSOCIATED SYNDROME; CBL SYNDROME; NOONAN SYNDROME-LIKE DISORDER WITHOUT JUVENILE MYELOMONOCYTIC LEUKEMIA. Identifiers: Orphanet 363972, MedGen C3150803, MONDO:0013308, OMIM 613563.
RASopathy. Also called: rasopathies; Noonan spectrum disorder. Identifiers: Orphanet 536391, MedGen C5555857, MONDO:0021060.

Allele frequency attached by ClinVar (database versions not stated): gnomAD exomes below 0.00001; gnomAD 0.00001.

Submissions (5):

Labcorp Genetics (formerly Invitae), Labcorp
Classification: Pathogenic for RASopathy. Last evaluated: 2025-06-24. Review status: criteria provided, single submitter. Criteria: Invitae Variant Classification Sherloc (09022015). Collection method: clinical testing. Allele origin: germline.
Comment: This sequence change replaces leucine, which is neutral and non-polar, with proline, which is neutral and non-polar, at codon 380 of the CBL protein (p.Leu380Pro). The frequency data for this variant in the population databases is considered unreliable, as metrics indicate poor data quality at this position in the gnomAD database. This missense change has been observed in individuals with clinical features of Noonan syndrome (PMID: 20694012; internal data). It has also been observed to segregate with disease in related individuals. ClinVar contains an entry for this variant (Variation ID: 477692). Invitae Evidence Modeling of protein sequence and biophysical properties (such as structural, functional, and spatial information, amino acid conservation, physicochemical variation, residue mobility, and thermodynamic stability) indicates that this missense variant is expected to disrupt CBL protein function with a positive predictive value of 95%. For these reasons, this variant has been classified as Pathogenic.

GeneDx
Classification: Uncertain significance. Last evaluated: 2024-12-18. Review status: criteria provided, single submitter. Criteria: GeneDx Variant Classification Process June 2021. Collection method: clinical testing. Allele origin: germline. Affected: yes.
Comment: In silico analysis supports that this missense variant has a deleterious effect on protein structure/function; Reported in a patient with juvenile myelomonocytic leukemia, developmental delay, and juvenile xanthogranuloma; however, familial segregation information was not included (PMID: 20694012); This variant is associated with the following publications: (PMID: 34638131, 20619386, 22315494, 22071139, 37945316, 29866652, 25952305, 29682367, 19571318, 20694012, 31107544)

Blueprint Genetics
Classification: Likely pathogenic for CBL-related disorders. Last evaluated: 2024-08-23. Review status: criteria provided, single submitter. Criteria: ACMG Guidelines, 2015. Collection method: clinical testing. Allele origin: germline. Affected: yes. Observed: 1 variant allele.

3billion
Classification: Uncertain significance for CBL-related disorder. Last evaluated: 2023-02-23. Review status: criteria provided, single submitter. Criteria: ACMG Guidelines, 2015. Collection method: clinical testing. Allele origin: unknown. Affected: yes.
Comment: The variant is observed at an extremely low frequency in the gnomAD v2.1.1 dataset (total allele frequency: <0.001%). Missense changes are a common disease-causing mechanism. In silico tool predictions suggest damaging effect of the variant on gene or gene product (REVEL: 0.97; 3Cnet: 0.95). Same nucleotide change resulting in same amino acid change has been previously reported to be associated with CBL related disorder (ClinVar ID: VCV000477692). However, the evidence of pathogenicity is insufficient at this time. Therefore, this variant is classified as VUS according to the recommendation of ACMG/AMP guideline.

HudsonAlpha Institute for Biotechnology
Classification: Uncertain significance for CBL-related disorder. Last evaluated: 2019-12-12. Review status: criteria provided, single submitter. Criteria: ACMG Guidelines, 2015. Collection method: research. Allele origin: paternal. Observed: 2 heterozygotes. Clinical features observed: Neurofibromas (HP:0001067), Papilloma (HP:0012740). Study: HudsonAlpha-AGHI-WGS.

Literature cited by the submitters: PubMed 20694012 (cited by Labcorp Genetics (formerly Invitae), Labcorp).

NM_005188.4(CBL):c.1139T>C (p.Leu380Pro)

Gene: CBL (Cbl proto-oncogene; plus strand). Cytogenetic location: 11q23.3.
Variant type: single nucleotide variant.
Coding change: c.1139T>C on transcript NM_005188.4 (MANE Select); coding-DNA position 1139, T replaced by C.
Protein change: p.Leu380Pro; replaces leucine 380 with proline.
Molecular consequence: missense variant.
Genome position (GRCh38, 1-based): chr11:119,278,209, T>C. VCF-style: chr11-119278209-T-C. GRCh37 (hg19) VCF-style: chr11-119148919-T-C.
Other names: c.1139T>C (NM_005188.2); short protein forms L380P.
Identifiers: ClinVar variation 477692 (VCV000477692.14), dbSNP rs1377506801, ClinGen allele CA382912479.